The following is an entry in ClinVar:

NM_001329943.3(KIAA0586):c.657A>G (p.Lys219=)

Gene: KIAA0586 (KIAA0586; plus strand). Cytogenetic location: 14q23.1.
Variant type: single nucleotide variant.
Coding change: c.657A>G on transcript NM_001329943.3 (MANE Select); coding-DNA position 657, A replaced by G.
Protein change: p.Lys219=; no amino-acid change (lysine 219 retained).
Molecular consequence: synonymous variant.
Genome position (GRCh38, 1-based): chr14:58,444,025, A>G. VCF-style: chr14-58444025-A-G. GRCh37 (hg19) VCF-style: chr14-58910743-A-G.
Other names: c.816A>G, p.Lys272= (NM_001244189.2); c.612A>G, p.Lys204= (NM_001244190.2); c.402A>G, p.Lys134= (NM_001244191.2, NM_001329945.2, NM_001364700.1 and 1 more transcripts); c.525A>G, p.Lys175= (NM_001244192.2); c.237A>G, p.Lys79= (NM_001244193.2); c.657A>G, p.Lys219= (NM_001329944.2, NM_001329946.2, NM_001329947.2 and 1 more transcripts).
Identifiers: ClinVar variation 770102 (VCV000770102.15), dbSNP rs533752814, ClinGen allele CA7205444.

ClinVar aggregate classification (germline): Likely benign. Review status: criteria provided, multiple submitters, no conflicts (2 of 4 stars). 4 submissions from 4 submitters: Likely benign (3). 1 of the submissions does not count toward it. Last evaluated 2026-10-01.

Conditions:
KIAA0586-related disorder. Also called: KIAA0586- Related disorders; KIAA0586-related condition.
Joubert syndrome 23 (JBTS23). Identifiers: Orphanet 475, MedGen C4084822, MONDO:0014664, OMIM 616490.
Short-rib thoracic dysplasia 14 with polydactyly (SRTD14). Identifiers: Orphanet 397715, MedGen C4225286, MONDO:0014688, OMIM 616546.

Allele frequency attached by ClinVar (database versions not stated): gnomAD 0.00009; TOPMed 0.00013; ExAC 0.00015; 1000 Genomes Project 30x 0.00016; gnomAD exomes 0.00016 and 0.00018; 1000 Genomes Project 0.00020.
gnomAD v4.1: 244 of 1,612,258 alleles (0.015%); highest among the groups gnomAD compares: Admixed American, 0.1%; no homozygotes.

Submissions (4):

CeGaT Center for Human Genetics Tuebingen
Classification: Likely benign. Last evaluated: 2026-10-01. Review status: criteria provided, single submitter. Criteria: CeGaT Center For Human Genetics Tuebingen Variant Classification Criteria Version 2. Collection method: clinical testing. Allele origin: germline. Affected: yes. Observed: 1 variant allele.
Comment: KIAA0586: BP4, BP7

Labcorp Genetics (formerly Invitae), Labcorp
Classification: Likely benign for Joubert syndrome 23; Short-rib thoracic dysplasia 14 with polydactyly. Last evaluated: 2026-01-26. Review status: criteria provided, single submitter. Criteria: Invitae Variant Classification Sherloc (09022015). Collection method: clinical testing. Allele origin: germline.

Blueprint Genetics
Classification: Likely benign. Last evaluated: 2024-05-30. Review status: criteria provided, single submitter. Criteria: ACMG Guidelines, 2015. Collection method: clinical testing. Allele origin: germline.

PreventionGenetics, part of Exact Sciences
Classification: Likely benign for KIAA0586-related condition. Last evaluated: 2021-08-06. Review status: no assertion criteria provided. Collection method: clinical testing. Allele origin: germline. Not counted in ClinVar's aggregate classification.
Comment: This variant is classified as likely benign based on ACMG/AMP sequence variant interpretation guidelines (Richards et al. 2015 PMID: 25741868, with internal and published modifications).